The following is an entry in ClinVar:

NM_001042492.3(NF1):c.3008G>A (p.Gly1003Glu)

Gene: NF1 (neurofibromin 1; plus strand). Cytogenetic location: 17q11.2.
Variant type: single nucleotide variant.
Coding change: c.3008G>A on transcript NM_001042492.3 (MANE Select); coding-DNA position 3008, G replaced by A.
Protein change: p.Gly1003Glu; replaces glycine 1003 with glutamic acid.
Molecular consequence: missense variant.
Genome position (GRCh38, 1-based): chr17:31,230,277, G>A. VCF-style: chr17-31230277-G-A. GRCh37 (hg19) VCF-style: chr17-29557295-G-A.
Other names: c.3008G>A, p.Gly1003Glu (NM_000267.4); short protein forms G1003E.
Identifiers: ClinVar variation 1367388 (VCV001367388.8), dbSNP rs2151431510, ClinGen allele CA398986557.
Genomic context (GRCh38, chr17:31,230,277, plus strand): 5'-GTCTATATCTGATAATTTTTTTATTGTTTCTATGTCTATATAGGTATGTTCGTGTGCTTG[G>A]GAATATGGTCCATGCAATTCAAATAAAAACGAAACTGTGTCAATTAGTTGAAGTAATGAT-3'
Protein context (NP_001035957.1, residues 993-1013): LNLVRYVRVL[Gly1003Glu]NMVHAIQIKT

ClinVar aggregate classification (germline): Uncertain significance (1 of 4 stars; one submission).

Conditions:
Neurofibromatosis, type 1 (NF1). Also called: Peripheral type neurofibromatosis; Neurofibromatosis, type I; NEUROFIBROMATOSIS, TYPE I, SOMATIC; VON RECKLINGHAUSEN DISEASE. Identifiers: Orphanet 636, MedGen C0027831, MONDO:0018975, OMIM 162200. Disease mechanism: loss of function.

Submission:

Labcorp Genetics (formerly Invitae), Labcorp
Classification: Uncertain significance for Neurofibromatosis, type 1. Last evaluated: 2020-11-21. Review status: criteria provided, single submitter. Criteria: Invitae Variant Classification Sherloc (09022015). Collection method: clinical testing. Allele origin: germline.
Comment: In summary, the available evidence is currently insufficient to determine the role of this variant in disease. Therefore, it has been classified as a Variant of Uncertain Significance. Advanced modeling of protein sequence and biophysical properties (such as structural, functional, and spatial information, amino acid conservation, physicochemical variation, residue mobility, and thermodynamic stability) performed at Invitae indicates that this missense variant is expected to disrupt NF1 protein function. This variant has not been reported in the literature in individuals with NF1-related conditions. This variant is not present in population databases (ExAC no frequency). This sequence change replaces glycine with glutamic acid at codon 1003 of the NF1 protein (p.Gly1003Glu). The glycine residue is moderately conserved and there is a moderate physicochemical difference between glycine and glutamic acid.